The following is an entry in ClinVar:

NM_002949.4(MRPL12):c.481-13CT[3]

Gene: MRPL12 (mitochondrial ribosomal protein L12; plus strand). Cytogenetic location: 17q25.3.
Variant type: Microsatellite.
Coding change: c.481-13CT[3] on transcript NM_002949.4 (MANE Select); three copies in a row of the 2-base unit CT starting at c.481-13; the reference has four copies in a row; one copy, 2 bases deleted.
Molecular consequence: intron variant.
Genome position (GRCh38, 1-based): chr17:81,707,117-81,707,118, CT deleted; deleting any 2 consecutive bases within chr17:81,707,111-81,707,118 gives the same sequence; the position shown is the placement nearest the transcript's 3' end. VCF-style (leftmost placement, unchanged base first): chr17-81707110-GCT-G. GRCh37 (hg19) VCF-style: chr17-79674140-GCT-G.
Other names: c.481-7_481-6delCT (NM_002949.3).
Identifiers: ClinVar variation 421082 (VCV000421082.1), dbSNP rs1064794897, ClinGen allele CA16620655.

ClinVar aggregate classification (germline): Likely benign (1 of 4 stars; one submission).

Submission:

GeneDx
Classification: Likely benign. Last evaluated: 2016-05-05. Review status: criteria provided, single submitter. Criteria: GeneDx Variant Classification (06012015). Collection method: clinical testing. Allele origin: germline. Affected: yes.
Comment: This variant is considered likely benign or benign based on one or more of the following criteria: it is a conservative change, it occurs at a poorly conserved position in the protein, it is predicted to be benign by multiple in silico algorithms, and/or has population frequency not consistent with disease.